The following is an entry in ClinVar:

NM_032271.3(TRAF7):c.807C>T (p.Ile269=)

Gene: TRAF7 (TNF receptor associated factor 7; plus strand). Cytogenetic location: 16p13.3.
Variant type: single nucleotide variant.
Coding change: c.807C>T on transcript NM_032271.3 (MANE Select); coding-DNA position 807, C replaced by T.
Protein change: p.Ile269=; no amino-acid change (isoleucine 269 retained).
Molecular consequence: synonymous variant.
Genome position (GRCh38, 1-based): chr16:2,173,194, C>T. VCF-style: chr16-2173194-C-T. GRCh37 (hg19) VCF-style: chr16-2223195-C-T.
Identifiers: ClinVar variation 3042227 (VCV003042227.2), dbSNP rs560235497, ClinGen allele CA7834731.
Genomic context (GRCh38, chr16:2,173,194, plus strand): 5'-AGGCACCGGCAGGGACCCGCCAGGCAGGCAGCTGTCCTGTCCCCGCAGGTGCACGTTCAT[C>T]GGGAACCAGGACACTTACGAGACCCACCTGGAGACTTGCCGCTTCGAGGGCCTGAAGGAG-3'
Protein context (NP_115647.2, residues 259-279): CPHSKYGCTF[Ile269=]GNQDTYETHL

ClinVar aggregate classification (germline): Likely benign (0 of 4 stars; one submission).

Conditions:
TRAF7-related disorder. Also called: TRAF7-related condition.

Allele frequency attached by ClinVar (database versions not stated): ExAC 0.00001; gnomAD exomes 0.00002; TOPMed 0.00004; gnomAD 0.00006; 1000 Genomes Project 30x 0.00016; 1000 Genomes Project 0.00020.
gnomAD v4.1: 32 of 1,609,078 alleles (0.002%); highest among the groups gnomAD compares: Middle Eastern, 0.033%; no homozygotes.

Submission:

PreventionGenetics, part of Exact Sciences
Classification: Likely benign for TRAF7-related condition. Last evaluated: 2023-05-17. Review status: no assertion criteria provided. Collection method: clinical testing. Allele origin: germline.
Comment: This variant is classified as likely benign based on ACMG/AMP sequence variant interpretation guidelines (Richards et al. 2015 PMID: 25741868, with internal and published modifications).